The following is an entry in ClinVar:

ClinVar aggregate classification (germline): Uncertain significance (1 of 4 stars; one submission).

Allele frequency attached by ClinVar (database versions not stated): TOPMed below 0.00001.
gnomAD v4.1: 1 of 1,592,748 alleles (0.000063%); highest among the groups gnomAD compares: South Asian, 0.0011%; no homozygotes.

Submission:

Labcorp Genetics (formerly Invitae), Labcorp
Classification: Uncertain significance. Last evaluated: 2023-04-20. Review status: criteria provided, single submitter. Criteria: Invitae Variant Classification Sherloc (09022015). Collection method: clinical testing. Allele origin: germline.
Comment: Advanced modeling of protein sequence and biophysical properties (such as structural, functional, and spatial information, amino acid conservation, physicochemical variation, residue mobility, and thermodynamic stability) performed at Invitae indicates that this missense variant is not expected to disrupt DCHS1 protein function. This variant has not been reported in the literature in individuals affected with DCHS1-related conditions. This variant is not present in population databases (gnomAD no frequency). This sequence change replaces proline, which is neutral and non-polar, with serine, which is neutral and polar, at codon 2460 of the DCHS1 protein (p.Pro2460Ser). In summary, the available evidence is currently insufficient to determine the role of this variant in disease. Therefore, it has been classified as a Variant of Uncertain Significance.

NM_003737.4(DCHS1):c.7378C>T (p.Pro2460Ser)

Gene: DCHS1 (dachsous cadherin-related 1; minus strand). Cytogenetic location: 11p15.4.
Variant type: single nucleotide variant.
Coding change: c.7378C>T on transcript NM_003737.4 (MANE Select); coding-DNA position 7378, C replaced by T.
Protein change: p.Pro2460Ser; replaces proline 2460 with serine.
Molecular consequence: missense variant.
Genome position (GRCh38, 1-based): chr11:6,624,298, G>A on the plus strand (C>T on the coding strand, the complement: DCHS1 is on the minus strand). VCF-style: chr11-6624298-G-A. GRCh37 (hg19) VCF-style: chr11-6645529-G-A.
Other names: short protein forms P2460S.
Identifiers: ClinVar variation 2857963 (VCV002857963.3), dbSNP rs1378554459, ClinGen allele CA379483197.